The following is an entry in ClinVar:

NM_000051.4(ATM):c.2692T>G (p.Leu898Val)

Gene: ATM (ATM serine/threonine kinase; plus strand). Cytogenetic location: 11q22.3.
Variant type: single nucleotide variant.
Coding change: c.2692T>G on transcript NM_000051.4 (MANE Select); coding-DNA position 2692, T replaced by G.
Protein change: p.Leu898Val; replaces leucine 898 with valine.
Molecular consequence: missense variant.
Genome position (GRCh38, 1-based): chr11:108,268,463, T>G. VCF-style: chr11-108268463-T-G. GRCh37 (hg19) VCF-style: chr11-108139190-T-G.
Other names: c.2692T>G, p.Leu898Val (NM_001351834.2); short protein forms L898V.
Identifiers: ClinVar variation 1373489 (VCV001373489.11), dbSNP rs2135524133, ClinGen allele CA382545189.
Genomic context (GRCh38, chr11:108,268,463, plus strand): 5'-TTTTTAGGTGCCATTAATCCTTTAGCTGAAGAATATCTGTCAAAGCAAGATCTACTTTTC[T>G]TAGACATGCTCAAGTTCTTGTGTTTGTGTGTAACTACTGCTCAGACCAATACTGTGTCCT-3'
Protein context (NP_000042.3, residues 888-908): EYLSKQDLLF[Leu898Val]DMLKFLCLCV

ClinVar aggregate classification (germline): Uncertain significance. Review status: criteria provided, multiple submitters, no conflicts (2 of 4 stars). 2 submissions from 2 submitters: Uncertain significance (2). Last evaluated 2025-04-10.

Conditions:
Ataxia-telangiectasia syndrome (AT). Also called: Cerebello-oculocutaneous telangiectasia; Immunodeficiency with ataxia telangiectasia; AT, COMPLEMENTATION GROUP C; Ataxia-telangiectasia, complementation group E; LOUIS-BAR SYNDROME; ATAXIA-TELANGIECTASIA, COMPLEMENTATION GROUP A. Identifiers: Orphanet 100, MedGen C0004135, MONDO:0008840, OMIM 208900.
Hereditary cancer-predisposing syndrome. Also called: Hereditary neoplastic syndrome; Hereditary Cancer Syndrome; Neoplastic Syndromes, Hereditary; Tumor predisposition. Identifiers: Orphanet 140162, MedGen C0027672, MeSH D009386, MONDO:0015356.

Allele frequency attached by ClinVar (database versions not stated): gnomAD exomes below 0.00001.

Submissions (2):

Ambry Genetics
Classification: Uncertain significance for Hereditary cancer-predisposing syndrome. Last evaluated: 2025-04-10. Review status: criteria provided, single submitter. Criteria: Ambry Variant Classification Scheme 2023. Collection method: clinical testing. Allele origin: germline.
Comment: The p.L898V variant (also known as c.2692T>G), located in coding exon 17 of the ATM gene, results from a T to G substitution at nucleotide position 2692. The leucine at codon 898 is replaced by valine, an amino acid with highly similar properties. This amino acid position is highly conserved in available vertebrate species. In addition, the in silico prediction for this alteration is inconclusive. Based on the available evidence, the clinical significance of this variant remains unclear.

Labcorp Genetics (formerly Invitae), Labcorp
Classification: Uncertain significance for Ataxia-telangiectasia syndrome. Last evaluated: 2021-01-14. Review status: criteria provided, single submitter. Criteria: Invitae Variant Classification Sherloc (09022015). Collection method: clinical testing. Allele origin: germline.
Comment: This variant is not present in population databases (ExAC no frequency). In summary, the available evidence is currently insufficient to determine the role of this variant in disease. Therefore, it has been classified as a Variant of Uncertain Significance. Advanced modeling of protein sequence and biophysical properties (such as structural, functional, and spatial information, amino acid conservation, physicochemical variation, residue mobility, and thermodynamic stability) performed at Invitae indicates that this missense variant is not expected to disrupt ATM protein function. This variant has not been reported in the literature in individuals with ATM-related conditions. This sequence change replaces leucine with valine at codon 898 of the ATM protein (p.Leu898Val). The leucine residue is moderately conserved and there is a small physicochemical difference between leucine and valine.